The following is an entry in ClinVar:

NM_018368.4(LMBRD1):c.1407T>A (p.Asp469Glu)

Gene: LMBRD1 (LMBR1 domain containing 1; minus strand). Cytogenetic location: 6q13.
Variant type: single nucleotide variant.
Coding change: c.1407T>A on transcript NM_018368.4 (MANE Select); coding-DNA position 1407, T replaced by A.
Protein change: p.Asp469Glu; replaces aspartic acid 469 with glutamic acid.
Molecular consequence: missense variant.
Genome position (GRCh38, 1-based): chr6:69,697,573, A>T on the plus strand (T>A on the coding strand, the complement: LMBRD1 is on the minus strand). VCF-style: chr6-69697573-A-T. GRCh37 (hg19) VCF-style: chr6-70407465-A-T.
Other names: p.D469E:GAT>GAA; c.1188T>A, p.Asp396Glu (NM_001363722.2, NM_001367271.1, NM_001367272.1); short protein forms D469E, D396E.
Identifiers: ClinVar variation 138124 (VCV000138124.19), dbSNP rs12648, ClinGen allele CA291939.

ClinVar aggregate classification (germline): Benign. Review status: criteria provided, multiple submitters, no conflicts (2 of 4 stars). 8 submissions from 8 submitters: Benign (6). 2 of the submissions do not count toward it. Last evaluated 2026-02-04.

Conditions:
Methylmalonic aciduria and homocystinuria type cblF. Also called: METHYLMALONIC ACIDEMIA AND HOMOCYSTINURIA, cblF TYPE; METHYLMALONIC ACIDURIA DUE TO VITAMIN B12-RELEASE DEFECT; VITAMIN B12 LYSOSOMAL RELEASE DEFECT; VITAMIN B12 STORAGE DISEASE; COBALAMIN F DISEASE; COBALAMIN, DEFECT IN LYSOSOMAL RELEASE OF. Identifiers: Orphanet 79284, MedGen C1848578, MONDO:0010183, OMIM 277380.

Allele frequency attached by ClinVar (database versions not stated): ExAC 0.39197; gnomAD exomes 0.39445 and 0.39569; gnomAD 0.32715 and 0.33629; ESP Exome Variant Server 0.31662; 1000 Genomes Project 0.38478; TOPMed 0.33036; 1000 Genomes Project 30x 0.37461.
gnomAD v4.1: 622,785 of 1,596,448 alleles (39%); highest among the groups gnomAD compares: East Asian, 55%; 125,478 homozygotes.

Submissions (8):

Labcorp Genetics (formerly Invitae), Labcorp
Classification: Benign for Methylmalonic aciduria and homocystinuria type cblF. Last evaluated: 2026-02-04. Review status: criteria provided, single submitter. Criteria: Invitae Variant Classification Sherloc (09022015). Collection method: clinical testing. Allele origin: germline.

Mayo Clinic Laboratories, Mayo Clinic
Classification: Benign. Last evaluated: 2022-03-03. Review status: criteria provided, single submitter. Criteria: ACMG Guidelines, 2015. Collection method: clinical testing. Allele origin: germline. Observed: 62 variant alleles.

Genome-Nilou Lab
Classification: Benign for Methylmalonic aciduria and homocystinuria type cblF. Last evaluated: 2021-08-19. Review status: criteria provided, single submitter. Criteria: ACMG Guidelines, 2015. Collection method: clinical testing. Allele origin: germline. Affected: no.

Illumina Laboratory Services, Illumina
Classification: Benign for Methylmalonic aciduria and homocystinuria type cblF. Last evaluated: 2018-01-13. Review status: criteria provided, single submitter. Criteria: ICSL Variant Classification Criteria 13 December 2019. Collection method: clinical testing. Allele origin: germline.
Comment: This variant was observed in the ICSL laboratory as part of a predisposition screen in an ostensibly healthy population. It had not been previously curated by ICSL or reported in the Human Gene Mutation Database (HGMD: prior to June 1st, 2018), and was therefore a candidate for classification through an automated scoring system. Utilizing variant allele frequency, disease prevalence and penetrance estimates, and inheritance mode, an automated score was calculated to assess if this variant is too frequent to cause the disease. Based on the score and internal cut-off values, a variant classified as benign is not then subjected to further curation. The score for this variant resulted in a classification of benign for this disease.

GeneDx
Classification: Benign. Last evaluated: 2013-05-29. Review status: criteria provided, single submitter. Criteria: GeneDx Variant Classification (06012015). Collection method: clinical testing. Allele origin: germline. Affected: yes.
Comment: This variant is considered likely benign or benign based on one or more of the following criteria: it is a conservative change, it occurs at a poorly conserved position in the protein, it is predicted to be benign by multiple in silico algorithms, and/or has population frequency not consistent with disease.

PreventionGenetics, part of Exact Sciences
Classification: Benign. Review status: criteria provided, single submitter. Criteria: ACMG Guidelines, 2015. Collection method: clinical testing. Allele origin: germline.

Clinical Genetics, Academic Medical Center
Classification: Benign. Review status: no assertion criteria provided. Collection method: clinical testing. Allele origin: germline. Affected: yes. Study: VKGL Data-share Consensus. Not counted in ClinVar's aggregate classification.

Diagnostic Laboratory, Department of Genetics, University Medical Center Groningen
Classification: Benign for Methylmalonic aciduria and homocystinuria type cblF. Review status: no assertion criteria provided. Collection method: clinical testing. Allele origin: germline. Affected: yes. Study: VKGL Data-share Consensus. Not counted in ClinVar's aggregate classification.